The following is an entry in ClinVar:

ClinVar aggregate classification (germline): Pathogenic/Likely pathogenic. Review status: criteria provided, multiple submitters, no conflicts (2 of 4 stars). 3 submissions from 3 submitters: Pathogenic (2); Likely pathogenic (1). Last evaluated 2025-09-01.

Conditions:
Hereditary cancer-predisposing syndrome. Also called: Neoplastic Syndromes, Hereditary; Tumor predisposition; Hereditary Cancer Syndrome; Hereditary neoplastic syndrome. Identifiers: Orphanet 140162, MedGen C0027672, MeSH D009386, MONDO:0015356.
Nijmegen breakage syndrome-like disorder (NBSLD). Also called: MICROCEPHALY AND SPONTANEOUS CHROMOSOME INSTABILITY WITHOUT IMMUNODEFICIENCY; NBS-LIKE DISORDER; RAD50 DEFICIENCY. Identifiers: Orphanet 240760, MedGen C2751318, MONDO:0013118, OMIM 613078.

Allele frequency attached by ClinVar (database versions not stated): gnomAD 0.00001; gnomAD exomes 0.00001; TOPMed 0.00002; ESP Exome Variant Server 0.00008.

Submissions (3):

Labcorp Genetics (formerly Invitae), Labcorp
Classification: Pathogenic for Hereditary cancer-predisposing syndrome. Last evaluated: 2025-09-01. Review status: criteria provided, single submitter. Criteria: Invitae Variant Classification Sherloc (09022015). Collection method: clinical testing. Allele origin: germline.
Comment: This sequence change creates a premature translational stop signal (p.Gln226*) in the RAD50 gene. RNA analysis indicates that this premature translational stop signal induces altered splicing and may result in an absent or altered protein product. This variant is present in population databases (rs377429225, gnomAD 0.002%). This variant has not been reported in the literature in individuals affected with RAD50-related conditions. ClinVar contains an entry for this variant (Variation ID: 457485). Studies have shown that this premature translational stop signal results in skipping of exon 5, and produces a non-functional protein and/or introduces a premature termination codon (internal data). For these reasons, this variant has been classified as Pathogenic.

Ambry Genetics
Classification: Pathogenic for Hereditary cancer-predisposing syndrome. Last evaluated: 2023-02-06. Review status: criteria provided, single submitter. Criteria: Ambry Variant Classification Scheme 2023. Collection method: clinical testing. Allele origin: germline.
Comment: The p.Q226* pathogenic mutation (also known as c.676C>T), located in coding exon 5 of the RAD50 gene, results from a C to T substitution at nucleotide position 676. This changes the amino acid from a glutamine to a stop codon within coding exon 5. This alteration is expected to result in loss of function by premature protein truncation or nonsense-mediated mRNA decay. As such, this alteration is interpreted as a disease-causing mutation.

Baylor Genetics
Classification: Likely pathogenic for Nijmegen breakage syndrome-like disorder. Last evaluated: 2022-05-28. Review status: criteria provided, single submitter. Criteria: ACMG Guidelines, 2015. Collection method: clinical testing. Allele origin: unknown.

NM_005732.4(RAD50):c.676C>T (p.Gln226Ter)

Gene: RAD50 (RAD50 double strand break repair protein; plus strand). Cytogenetic location: 5q31.1.
Variant type: single nucleotide variant.
Coding change: c.676C>T on transcript NM_005732.4 (MANE Select); coding-DNA position 676, C replaced by T.
Protein change: p.Gln226Ter; replaces glutamine 226 with a stop codon.
Molecular consequence: nonsense.
Genome position (GRCh38, 1-based): chr5:132,579,986, C>T. VCF-style: chr5-132579986-C-T. GRCh37 (hg19) VCF-style: chr5-131915678-C-T.
Other names: short protein forms Q226*.
Identifiers: ClinVar variation 457485 (VCV000457485.14), dbSNP rs377429225, ClinGen allele CA127237903.